The following is an entry in ClinVar:

NM_000551.4(VHL):c.642A>G (p.Ter214Trp)

Genes: VHL (von Hippel-Lindau tumor suppressor; plus strand), LOC107303340 (3p25 von Hippel-Lindau tumor suppressor, E3 ubiquitin protein ligase Alu-mediated recombination region; plus strand). Cytogenetic location: 3p25.3.
Variant type: single nucleotide variant.
Coding change: c.642A>G on transcript NM_000551.4 (MANE Select); coding-DNA position 642, A replaced by G.
Protein change: p.Ter214Trp.
Molecular consequence: stop lost. On other transcripts: 3 prime UTR variant (1).
Genome position (GRCh38, 1-based): chr3:10,149,965, A>G. VCF-style: chr3-10149965-A-G. GRCh37 (hg19) VCF-style: chr3-10191649-A-G.
Other names: *214W; *173W; c.*196A>G (NM_001354723.2); c.519A>G, p.Ter173Trp (NM_198156.3).
Identifiers: ClinVar variation 625269 (VCV000625269.3), dbSNP rs1559430011, ClinGen allele CA351756723.

ClinVar aggregate classification (germline): Likely pathogenic. Review status: criteria provided, multiple submitters, no conflicts (2 of 4 stars). 3 submissions from 3 submitters: Likely pathogenic (3). Last evaluated 2025-04-09.

Conditions:
Von Hippel-Lindau syndrome (VHLS). Also called: von Hippel–Lindau syndrome; Von Hippel-Lindau; VHL syndrome. Identifiers: Orphanet 892, MedGen C0019562, MONDO:0008667, OMIM 193300. Disease mechanism: loss of function.
Chuvash polycythemia. Also called: POLYCYTHEMIA, VHL-DEPENDENT. Identifiers: Orphanet 238557, MedGen C1837915, MONDO:0009892, OMIM 263400.

Submissions (3):

Labcorp Genetics (formerly Invitae), Labcorp
Classification: Likely pathogenic for Von Hippel-Lindau syndrome; Chuvash polycythemia. Last evaluated: 2025-04-09. Review status: criteria provided, single submitter. Criteria: Invitae Variant Classification Sherloc (09022015). Collection method: clinical testing. Allele origin: germline.
Comment: This sequence change disrupts the translational stop signal of the VHL mRNA. It is expected to extend the length of the VHL protein by 14 additional amino acid residues. This variant is not present in population databases (gnomAD no frequency). This protein extension has been observed in individuals with pheochromocytoma (PMID: 20560986; internal data). ClinVar contains an entry for this variant (Variation ID: 625269). This variant results in an extension of the VHL protein. Other variant(s) that result in a similarly extended protein product (p.*214Leuext*14) have been determined to be pathogenic (PMID: 20560986). This suggests that these extensions are likely to be disease-causing. In summary, the currently available evidence indicates that the variant is pathogenic, but additional data are needed to prove that conclusively. Therefore, this variant has been classified as Likely Pathogenic.

Genomic Diagnostic Laboratory, Division of Genomic Diagnostics, Children's Hospital of Philadelphia
Classification: Likely pathogenic for von Hippel-Lindau syndrome. Last evaluated: 2018-08-01. Review status: criteria provided, single submitter. Criteria: DGD Variant Analysis Guidelines. Collection method: clinical testing. Allele origin: germline. Affected: yes. Observed: 1 variant allele.

Women's Health and Genetics/Laboratory Corporation of America, LabCorp
Classification: Likely pathogenic for Von Hippel-Lindau syndrome. Last evaluated: 2017-12-08. Review status: criteria provided, single submitter. Criteria: LabCorp Variant Classification Summary - May 2015. Collection method: clinical testing. Allele origin: germline.
Comment: Variant summary: The VHL c.642A>G (p.X214TrpextX14) variant involves the alteration of a conserved nucleotide located in the termination codon causing an elongation of the VHL protein by 14 amino acids. This variant is absent in 243168 control chromosomes (gnomAD). A publication, Sorrell_2011, cites the variant in a patient presenting with pheochromocytoma and pancreatic cysts. In addition, multiple variants affecting the termination codon causing an elongation of the VHL protein, c.641G>T (p.X214LeuextX15) and c.642A>T (p.X214CysextX15) have been reported in affected individuals, therefore, suggesting the location being a mutational hotspot. The variant of interest, however, to our knowledge, has not been cited by other clinical diagnostic laboratories and/or reputable databases. Therefore, the variant of interest has been classified as a "Likely Pathogenic."

Literature cited by the submitters: PubMed 20560986 (cited by Labcorp Genetics (formerly Invitae), Labcorp and Women's Health and Genetics/Laboratory Corporation of America, LabCorp).